The following is an entry in ClinVar:

NM_001042424.3(NSD2):c.1528G>A (p.Ala510Thr)

Gene: NSD2 (nuclear receptor binding SET domain protein 2; plus strand). Cytogenetic location: 4p16.3.
Variant type: single nucleotide variant.
Coding change: c.1528G>A on transcript NM_001042424.3 (MANE Select); coding-DNA position 1528, G replaced by A.
Protein change: p.Ala510Thr; replaces alanine 510 with threonine.
Molecular consequence: missense variant.
Genome position (GRCh38, 1-based): chr4:1,930,743, G>A. VCF-style: chr4-1930743-G-A. GRCh37 (hg19) VCF-style: chr4-1932470-G-A.
Other names: c.1528G>A, p.Ala510Thr (NM_007331.2, NM_133330.3, NM_133331.3 and 2 more transcripts); short protein forms A510T.
Identifiers: ClinVar variation 1680171 (VCV001680171.6), dbSNP rs1256922030, ClinGen allele CA355977336.

ClinVar aggregate classification (germline): Uncertain significance (1 of 4 stars; one submission).

gnomAD v4.1: 1 of 1,613,648 alleles (0.000062%); highest among the groups gnomAD compares: Non-Finnish European, 0.000085%; no homozygotes.

Submission:

Labcorp Genetics (formerly Invitae), Labcorp
Classification: Uncertain significance. Last evaluated: 2025-10-27. Review status: criteria provided, single submitter. Criteria: Invitae Variant Classification Sherloc (09022015). Collection method: clinical testing. Allele origin: germline.
Comment: This sequence change replaces alanine, which is neutral and non-polar, with threonine, which is neutral and polar, at codon 510 of the WHSC1 protein (p.Ala510Thr). This variant is not present in population databases (gnomAD no frequency). This variant has not been reported in the literature in individuals affected with WHSC1-related conditions. ClinVar contains an entry for this variant (Variation ID: 1680171). Invitae Evidence Modeling of protein sequence and biophysical properties (such as structural, functional, and spatial information, amino acid conservation, physicochemical variation, residue mobility, and thermodynamic stability) indicates that this missense variant is not expected to disrupt WHSC1 protein function with a negative predictive value of 80%. In summary, the available evidence is currently insufficient to determine the role of this variant in disease. Therefore, it has been classified as a Variant of Uncertain Significance.